The following is an entry in ClinVar:

ClinVar aggregate classification (germline): Uncertain significance. Review status: criteria provided, multiple submitters, no conflicts (2 of 4 stars). 3 submissions from 3 submitters: Uncertain significance (3). Last evaluated 2025-10-06.

Conditions:
Inborn genetic diseases. Identifiers: MedGen C0950123, MeSH D030342.

Allele frequency attached by ClinVar (database versions not stated): gnomAD 0.00001 and 0.00002; TOPMed 0.00002; gnomAD exomes 0.00003 and 0.00004; ExAC 0.00010.
gnomAD v4.1: 49 of 1,551,004 alleles (0.0032%); highest among the groups gnomAD compares: Middle Eastern, 0.12%; 1 homozygote.

Submissions (3):

Labcorp Genetics (formerly Invitae), Labcorp
Classification: Uncertain significance. Last evaluated: 2025-10-06. Review status: criteria provided, single submitter. Criteria: Invitae Variant Classification Sherloc (09022015). Collection method: clinical testing. Allele origin: germline.
Comment: This sequence change replaces isoleucine, which is neutral and non-polar, with valine, which is neutral and non-polar, at codon 383 of the COL9A2 protein (p.Ile383Val). This variant is present in population databases (rs762110744, gnomAD 0.03%). This variant has not been reported in the literature in individuals affected with COL9A2-related conditions. ClinVar contains an entry for this variant (Variation ID: 1443112). Invitae Evidence Modeling of protein sequence and biophysical properties (such as structural, functional, and spatial information, amino acid conservation, physicochemical variation, residue mobility, and thermodynamic stability) indicates that this missense variant is not expected to disrupt COL9A2 protein function with a negative predictive value of 95%. In summary, the available evidence is currently insufficient to determine the role of this variant in disease. Therefore, it has been classified as a Variant of Uncertain Significance.

Ambry Genetics
Classification: Uncertain significance for Inborn genetic diseases. Last evaluated: 2024-12-23. Review status: criteria provided, single submitter. Criteria: Ambry Variant Classification Scheme 2023. Collection method: clinical testing. Allele origin: germline.

Blueprint Genetics
Classification: Uncertain significance. Last evaluated: 2022-10-31. Review status: criteria provided, single submitter. Criteria: ACMG Guidelines, 2015. Collection method: clinical testing. Allele origin: germline.

NM_001852.4(COL9A2):c.1147A>G (p.Ile383Val)

Gene: COL9A2 (collagen type IX alpha 2 chain; minus strand). Cytogenetic location: 1p34.2.
Variant type: single nucleotide variant.
Coding change: c.1147A>G on transcript NM_001852.4 (MANE Select); coding-DNA position 1147, A replaced by G.
Protein change: p.Ile383Val; replaces isoleucine 383 with valine.
Molecular consequence: missense variant.
Genome position (GRCh38, 1-based): chr1:40,304,808, T>C on the plus strand (A>G on the coding strand, the complement: COL9A2 is on the minus strand). VCF-style: chr1-40304808-T-C. GRCh37 (hg19) VCF-style: chr1-40770480-T-C.
Other names: c.1147A>G (NM_001852.3); short protein forms I383V.
Identifiers: ClinVar variation 1443112 (VCV001443112.10), dbSNP rs762110744, ClinGen allele CA791573.